The following is an entry in ClinVar:

NM_025233.7(COASY):c.383del (p.Pro128fs)

Gene: COASY (Coenzyme A synthase; plus strand). Cytogenetic location: 17q21.2.
Variant type: Deletion.
Coding change: c.383del on transcript NM_025233.7 (MANE Select); coding-DNA position 383, one base deleted (C; older notation c.383delC).
Protein change: p.Pro128fs; shifts the reading frame from proline 128.
Molecular consequence: frameshift variant.
Genome position (GRCh38, 1-based): chr17:42,563,005, C deleted; the last of 3 consecutive C bases (chr17:42,563,003-42,563,005); deleting any one gives the same sequence. VCF-style (leftmost placement, unchanged base first): chr17-42563002-AC-A. GRCh37 (hg19) VCF-style: chr17-40715020-AC-A.
Other names: c.383del, p.Pro128fs (NM_001042529.3); c.470del, p.Pro157fs (NM_001042532.4); short protein forms P128fs, P157fs.
Identifiers: ClinVar variation 1899292 (VCV001899292.5), dbSNP rs2510677991, ClinGen allele CA2580093734.

ClinVar aggregate classification (germline): Pathogenic (1 of 4 stars; one submission).

Conditions:
Neurodegeneration with brain iron accumulation 6 (NBIA6). Also called: COASY protein-associated neurodegeneration. Identifiers: Orphanet 397725, MedGen C4517377, MONDO:0014290, OMIM 615643.

Submission:

Labcorp Genetics (formerly Invitae), Labcorp
Classification: Pathogenic for Neurodegeneration with brain iron accumulation 6. Last evaluated: 2022-04-26. Review status: criteria provided, single submitter. Criteria: Invitae Variant Classification Sherloc (09022015). Collection method: clinical testing. Allele origin: germline.
Comment: This sequence change creates a premature translational stop signal (p.Pro128Argfs*6) in the COASY gene. It is expected to result in an absent or disrupted protein product. Loss-of-function variants in COASY are known to be pathogenic (PMID: 24360804, 30089828). This variant is not present in population databases (gnomAD no frequency). This variant has not been reported in the literature in individuals affected with COASY-related conditions. For these reasons, this variant has been classified as Pathogenic.

Literature cited by the submitters: PubMed 24360804; PubMed 30089828.